The following is an entry in ClinVar:

NM_001292063.2(OTOG):c.1056C>T (p.Tyr352=)

Gene: OTOG (otogelin; plus strand). Cytogenetic location: 11p15.1.
Variant type: single nucleotide variant.
Coding change: c.1056C>T on transcript NM_001292063.2 (MANE Select); coding-DNA position 1056, C replaced by T.
Protein change: p.Tyr352=; no amino-acid change (tyrosine 352 retained).
Molecular consequence: synonymous variant.
Genome position (GRCh38, 1-based): chr11:17,558,597, C>T. VCF-style: chr11-17558597-C-T. GRCh37 (hg19) VCF-style: chr11-17580144-C-T.
Other names: c.1092C>T (NM_001277269.1); c.1092C>T, p.Tyr364= (NM_001277269.2).
Identifiers: ClinVar variation 2899188 (VCV002899188.5), dbSNP rs780285643, ClinGen allele CA5905444.
Genomic context (GRCh38, chr11:17,558,597, plus strand): 5'-GGGCGTGTACGAGCAGTGTGAGGCTCTACTGCGGCCCCCCTTTGACGCCTGCCACGCCTA[C>T]GTCAGCCCTCTGCCCTTCACAGCCAGTTGTACCAGTGATCTCTGCCAGTGAGTAGGGGTG-3'
Protein context (NP_001278992.1, residues 342-362): LRPPFDACHA[Tyr352=]VSPLPFTASC

ClinVar aggregate classification (germline): Likely benign. Review status: criteria provided, single submitter (1 of 4 stars). 2 submissions from 2 submitters: Likely benign (1). 1 of the submissions does not count toward it. Last evaluated 2025-06-03.

Conditions:
OTOG-related disorder. Also called: OTOG-related condition.

Allele frequency attached by ClinVar (database versions not stated): gnomAD 0.00003.
gnomAD v4.1: 145 of 1,550,342 alleles (0.0094%); highest among the groups gnomAD compares: Non-Finnish European, 0.012%; no homozygotes.

Submissions (2):

Labcorp Genetics (formerly Invitae), Labcorp
Classification: Likely benign. Last evaluated: 2025-06-03. Review status: criteria provided, single submitter. Criteria: Invitae Variant Classification Sherloc (09022015). Collection method: clinical testing. Allele origin: germline.

PreventionGenetics, part of Exact Sciences
Classification: Likely benign for OTOG-related condition. Last evaluated: 2019-10-28. Review status: no assertion criteria provided. Collection method: clinical testing. Allele origin: germline. Not counted in ClinVar's aggregate classification.
Comment: This variant is classified as likely benign based on ACMG/AMP sequence variant interpretation guidelines (Richards et al. 2015 PMID: 25741868, with internal and published modifications).